The following is an entry in ClinVar:

NM_003140.3(SRY):c.11A>G (p.Tyr4Cys)

Gene: SRY (sex determining region Y; minus strand). Cytogenetic location: Yp11.2.
Variant type: single nucleotide variant.
Coding change: c.11A>G on transcript NM_003140.3 (MANE Select); coding-DNA position 11, A replaced by G.
Protein change: p.Tyr4Cys; replaces tyrosine 4 with cysteine.
Molecular consequence: missense variant.
Genome position (GRCh38, 1-based): chrY:2,787,593, T>C on the plus strand (A>G on the coding strand, the complement: SRY is on the minus strand). VCF-style: chrY-2787593-T-C. GRCh37 (hg19) VCF-style: chrY-2655634-T-C.
Other names: short protein forms Y4C.
Identifiers: ClinVar variation 1337639 (VCV001337639.4), dbSNP rs2124486424, ClinGen allele CA414942011.

ClinVar aggregate classification (germline): Uncertain significance (1 of 4 stars; one submission).

Submission:

Genetic Services Laboratory, University of Chicago
Classification: Uncertain significance. Last evaluated: 2020-05-19. Review status: criteria provided, single submitter. Criteria: ACMG Guidelines, 2015. Collection method: clinical testing. Allele origin: germline. Affected: no.
Comment: DNA sequence analysis of the SRY gene demonstrated a sequence change, c.11A>G, in exon 1 that results in an amino acid change, p.Tyr4Cys. This sequence change does not appear to have been previously described in patients with SRY-related disorders and has not been described in the large population databases (ExAC and gnomAD). The p.Tyr4Cys change affects a moderately conserved amino acid residue located in a domain of the SRY protein that is known to be functional. In-silico pathogenicity prediction tools (SIFT, PolyPhen2, Align GVGD, REVEL) provide contradictory results for the p.Tyr4Cys substitution. Due to these contrasting evidences and the lack of functional studies, the clinical significance of the p.Tyr4Cys change remains unknown at this time.